The following is an entry in ClinVar:

ClinVar aggregate classification (germline): Uncertain significance. Review status: criteria provided, multiple submitters, no conflicts (2 of 4 stars). 4 submissions from 4 submitters: Uncertain significance (4). Last evaluated 2026-01-01.

Conditions:
Diffuse cerebral and cerebellar atrophy - intractable seizures - progressive microcephaly syndrome. Also called: Microcephaly, progressive, with seizures and cerebral and cerebellar atrophy. Identifiers: Orphanet 404437, MedGen C4014239, MONDO:0014335, OMIM 615760.
Inborn genetic diseases. Identifiers: MedGen C0950123, MeSH D030342.

Allele frequency attached by ClinVar (database versions not stated): ExAC 0.00002; gnomAD exomes 0.00003 and 0.00012; TOPMed 0.00028; gnomAD 0.00036 and 0.00037.
gnomAD v4.1: 103 of 1,614,112 alleles (0.0064%); highest among the groups gnomAD compares: Admixed American, 0.14%; no homozygotes.

Submissions (4):

Labcorp Genetics (formerly Invitae), Labcorp
Classification: Uncertain significance for Diffuse cerebral and cerebellar atrophy - intractable seizures - progressive microcephaly syndrome. Last evaluated: 2026-01-01. Review status: criteria provided, single submitter. Criteria: Invitae Variant Classification Sherloc (09022015). Collection method: clinical testing. Allele origin: germline.
Comment: This sequence change replaces arginine, which is basic and polar, with cysteine, which is neutral and slightly polar, at codon 351 of the QARS protein (p.Arg351Cys). This variant is present in population databases (rs763901654, gnomAD 0.07%). This variant has not been reported in the literature in individuals affected with QARS-related conditions. ClinVar contains an entry for this variant (Variation ID: 966237). An algorithm developed to predict the effect of missense changes on protein structure and function outputs the following: PolyPhen-2: "Benign". The cysteine amino acid residue is found in multiple mammalian species, which suggests that this missense change does not adversely affect protein function. In summary, the available evidence is currently insufficient to determine the role of this variant in disease. Therefore, it has been classified as a Variant of Uncertain Significance.

ARUP Laboratories, Molecular Genetics and Genomics, ARUP Laboratories
Classification: Uncertain significance for Diffuse cerebral and cerebellar atrophy - intractable seizures - progressive microcephaly syndrome. Last evaluated: 2024-11-01. Review status: criteria provided, single submitter. Criteria: ARUP Molecular Germline Variant Investigation Process 2024. Collection method: clinical testing. Allele origin: germline.

Ambry Genetics
Classification: Uncertain significance for Inborn genetic diseases. Last evaluated: 2024-07-10. Review status: criteria provided, single submitter. Criteria: Ambry Variant Classification Scheme 2023. Collection method: clinical testing. Allele origin: germline.

GeneDx
Classification: Uncertain significance. Last evaluated: 2021-01-08. Review status: criteria provided, single submitter. Criteria: GeneDx Variant Classification Process June 2021. Collection method: clinical testing. Allele origin: germline. Affected: yes.
Comment: In silico analysis supports that this missense variant has a deleterious effect on protein structure/function; Has not been previously published as pathogenic or benign to our knowledge

NM_005051.3(QARS1):c.1051C>T (p.Arg351Cys)

Gene: QARS1 (glutaminyl-tRNA synthetase 1; minus strand). Cytogenetic location: 3p21.31.
Variant type: single nucleotide variant.
Coding change: c.1051C>T on transcript NM_005051.3 (MANE Select); coding-DNA position 1051, C replaced by T.
Protein change: p.Arg351Cys; replaces arginine 351 with cysteine.
Molecular consequence: missense variant. On other transcripts: non-coding transcript variant (1).
Genome position (GRCh38, 1-based): chr3:49,100,384, G>A on the plus strand (C>T on the coding strand, the complement: QARS1 is on the minus strand). VCF-style: chr3-49100384-G-A. GRCh37 (hg19) VCF-style: chr3-49137817-G-A.
Other names: c.1051C>T (NM_005051.1); c.1018C>T, p.Arg340Cys (NM_001272073.2); short protein forms R340C, R351C.
Identifiers: ClinVar variation 966237 (VCV000966237.10), dbSNP rs763901654, ClinGen allele CA2391908.